The following is an entry in ClinVar:

NM_003482.4(KMT2D):c.11174A>C (p.Gln3725Pro)

Gene: KMT2D (lysine methyltransferase 2D; minus strand). Cytogenetic location: 12q13.12.
Variant type: single nucleotide variant.
Coding change: c.11174A>C on transcript NM_003482.4 (MANE Select); coding-DNA position 11174, A replaced by C.
Protein change: p.Gln3725Pro; replaces glutamine 3725 with proline.
Molecular consequence: missense variant.
Genome position (GRCh38, 1-based): chr12:49,033,531, T>G on the plus strand (A>C on the coding strand, the complement: KMT2D is on the minus strand). VCF-style: chr12-49033531-T-G. GRCh37 (hg19) VCF-style: chr12-49427314-T-G.
Other names: short protein forms Q3725P.
Identifiers: ClinVar variation 1449824 (VCV001449824.22), dbSNP rs377044162, ClinGen allele CA6546355.

ClinVar aggregate classification (germline): Benign/Likely benign. Review status: criteria provided, multiple submitters, no conflicts (2 of 4 stars). 2 submissions from 2 submitters: Benign (1); Likely benign (1). Last evaluated 2025-04-30.

Conditions:
Kabuki syndrome. Also called: Kabuki make-up syndrome; NIIKAWA-KUROKI SYNDROME. Identifiers: Orphanet 2322, MedGen C0796004, MONDO:0016512.

Allele frequency attached by ClinVar (database versions not stated): TOPMed 0.00004; gnomAD 0.00005 and 0.00006; ExAC 0.00006; ESP Exome Variant Server 0.00008; gnomAD exomes 0.00008.
gnomAD v4.1: 186 of 1,613,304 alleles (0.012%); highest among the groups gnomAD compares: Non-Finnish European, 0.015%; no homozygotes.

Submissions (2):

Labcorp Genetics (formerly Invitae), Labcorp
Classification: Benign for Kabuki syndrome. Last evaluated: 2025-04-30. Review status: criteria provided, single submitter. Criteria: Invitae Variant Classification Sherloc (09022015). Collection method: clinical testing. Allele origin: germline.

CeGaT Center for Human Genetics Tuebingen
Classification: Likely benign. Last evaluated: 2024-10-01. Review status: criteria provided, single submitter. Criteria: CeGaT Center For Human Genetics Tuebingen Variant Classification Criteria Version 2. Collection method: clinical testing. Allele origin: germline. Affected: yes. Observed: 1 variant allele.
Comment: KMT2D: BP4, BS2